The following is an entry in ClinVar:

NM_030625.3(TET1):c.516A>C (p.Leu172=)

Gene: TET1 (tet methylcytosine dioxygenase 1; plus strand). Cytogenetic location: 10q21.3.
Variant type: single nucleotide variant.
Coding change: c.516A>C on transcript NM_030625.3 (MANE Select); coding-DNA position 516, A replaced by C.
Protein change: p.Leu172=; no amino-acid change (leucine 172 retained).
Molecular consequence: synonymous variant.
Genome position (GRCh38, 1-based): chr10:68,572,854, A>C. VCF-style: chr10-68572854-A-C. GRCh37 (hg19) VCF-style: chr10-70332611-A-C.
Identifiers: ClinVar variation 760981 (VCV000760981.5), dbSNP rs375179567, ClinGen allele CA5525941.
Genomic context (GRCh38, chr10:68,572,854, plus strand): 5'-CTCAGAAAATGATTCGGTTCCAATGCAAGACACCCAAGTCCTTCCTGATATAGAGACTCT[A>C]ATTGGTGTACAAAATCCCTCTTTACTTAAAGGTAAGAGCCAAGAGACAACTCAGTTTTGG-3'
Protein context (NP_085128.2, residues 162-182): DTQVLPDIET[Leu172=]IGVQNPSLLK

ClinVar aggregate classification (germline): Benign. Review status: criteria provided, single submitter (1 of 4 stars). 2 submissions from 2 submitters: Benign (1). 1 of the submissions does not count toward it. Last evaluated 2018-07-31.

Conditions:
TET1-related disorder. Also called: TET1-related condition.

Allele frequency attached by ClinVar (database versions not stated): ExAC 0.00013; ESP Exome Variant Server 0.00015; gnomAD exomes 0.00015 and 0.00019; gnomAD 0.00017; TOPMed 0.00017.
gnomAD v4.1: 247 of 1,614,028 alleles (0.015%); highest among the groups gnomAD compares: Non-Finnish European, 0.013%; 1 homozygote.

Submissions (2):

Labcorp Genetics (formerly Invitae), Labcorp
Classification: Benign. Last evaluated: 2018-07-31. Review status: criteria provided, single submitter. Criteria: Invitae Variant Classification Sherloc (09022015). Collection method: clinical testing. Allele origin: germline.

PreventionGenetics, part of Exact Sciences
Classification: Likely benign for TET1-related condition. Last evaluated: 2020-02-04. Review status: no assertion criteria provided. Collection method: clinical testing. Allele origin: germline. Not counted in ClinVar's aggregate classification.
Comment: This variant is classified as likely benign based on ACMG/AMP sequence variant interpretation guidelines (Richards et al. 2015 PMID: 25741868, with internal and published modifications).